The following is an entry in ClinVar:

NM_006231.4(POLE):c.1753G>C (p.Glu585Gln)

Gene: POLE (DNA polymerase epsilon, catalytic subunit; minus strand). Cytogenetic location: 12q24.33.
Variant type: single nucleotide variant.
Coding change: c.1753G>C on transcript NM_006231.4 (MANE Select); coding-DNA position 1753, G replaced by C.
Protein change: p.Glu585Gln; replaces glutamic acid 585 with glutamine.
Molecular consequence: missense variant.
Genome position (GRCh38, 1-based): chr12:132,672,256, C>G on the plus strand (G>C on the coding strand, the complement: POLE is on the minus strand). VCF-style: chr12-132672256-C-G. GRCh37 (hg19) VCF-style: chr12-133248842-C-G.
Other names: short protein forms E585Q.
Identifiers: ClinVar variation 1779437 (VCV001779437.2), dbSNP rs1319461296, ClinGen allele CA387356293.
Genomic context (GRCh38, chr12:132,672,256, plus strand): 5'-CTGCCTCCCTGATGGTTACCTCTTCAAAGTTGGTGACTTGCTCCACAGGCACTTTCTCCT[C>G]TTCCTCAAGGGCGTGGCGCAAGGTCTTCTCAACCCGCTGCAGCAGGAAGTCAAAGGCGGC-3'
Protein context (NP_006222.2, residues 575-595): EKTLRHALEE[Glu585Gln]EKVPVEQVTN

ClinVar aggregate classification (germline): Uncertain significance (1 of 4 stars; one submission).

Conditions:
Hereditary cancer-predisposing syndrome. Also called: Neoplastic Syndromes, Hereditary; Tumor predisposition; Hereditary Cancer Syndrome; Hereditary neoplastic syndrome. Identifiers: Orphanet 140162, MedGen C0027672, MeSH D009386, MONDO:0015356.

Allele frequency attached by ClinVar (database versions not stated): gnomAD exomes below 0.00001.
gnomAD v4.1: 1 of 1,614,220 alleles (0.000062%); highest among the groups gnomAD compares: Admixed American, 0.0017%; no homozygotes.

Submission:

Ambry Genetics
Classification: Uncertain significance for Hereditary cancer-predisposing syndrome. Last evaluated: 2022-07-02. Review status: criteria provided, single submitter. Criteria: Ambry Variant Classification Scheme 2023. Collection method: clinical testing. Allele origin: germline.
Comment: The p.E585Q variant (also known as c.1753G>C), located in coding exon 16 of the POLE gene, results from a G to C substitution at nucleotide position 1753. The glutamic acid at codon 585 is replaced by glutamine, an amino acid with highly similar properties. This amino acid position is conserved. In addition, this alteration is predicted to be tolerated by in silico analysis. Since supporting evidence is limited at this time, the clinical significance of this alteration remains unclear.